The following is an entry in ClinVar:

ClinVar aggregate classification (germline): Uncertain significance (1 of 4 stars; one submission).

Conditions:
Hereditary cancer-predisposing syndrome. Also called: Neoplastic Syndromes, Hereditary; Tumor predisposition; Hereditary Cancer Syndrome; Hereditary neoplastic syndrome. Identifiers: Orphanet 140162, MedGen C0027672, MeSH D009386, MONDO:0015356.

gnomAD v4.1: 1 of 1,612,662 alleles (0.000062%); no homozygotes.

Submission:

Ambry Genetics
Classification: Uncertain significance for Hereditary cancer-predisposing syndrome. Last evaluated: 2024-06-19. Review status: criteria provided, single submitter. Criteria: Ambry Variant Classification Scheme 2023. Collection method: clinical testing. Allele origin: germline.
Comment: The p.Q666R variant (also known as c.1997A>G), located in coding exon 10 of the BARD1 gene, results from an A to G substitution at nucleotide position 1997. The glutamine at codon 666 is replaced by arginine, an amino acid with highly similar properties. This amino acid position is conserved. In addition, the in silico prediction for this alteration is inconclusive. Since supporting evidence is limited at this time, the clinical significance of this alteration remains unclear.

NM_000465.4(BARD1):c.1997A>G (p.Gln666Arg)

Gene: BARD1 (BRCA1 associated RING domain 1; minus strand). Cytogenetic location: 2q35.
Variant type: single nucleotide variant.
Coding change: c.1997A>G on transcript NM_000465.4 (MANE Select); coding-DNA position 1997, A replaced by G.
Protein change: p.Gln666Arg; replaces glutamine 666 with arginine.
Molecular consequence: missense variant. On other transcripts: non-coding transcript variant (3).
Genome position (GRCh38, 1-based): chr2:214,730,415, T>C on the plus strand (A>G on the coding strand, the complement: BARD1 is on the minus strand). VCF-style: chr2-214730415-T-C. GRCh37 (hg19) VCF-style: chr2-215595139-T-C.
Other names: c.1940A>G, p.Gln647Arg (NM_001282543.2); c.644A>G, p.Gln215Arg (NM_001282545.2); c.587A>G, p.Gln196Arg (NM_001282548.2); c.458A>G, p.Gln153Arg (NM_001282549.2); short protein forms Q196R, Q647R, Q666R, Q215R, Q153R.
Identifiers: ClinVar variation 1784070 (VCV001784070.3), dbSNP rs2469276823, ClinGen allele CA350451091.